The following is an entry in ClinVar:

NM_000094.4(COL7A1):c.5640dup (p.Gly1881fs)

Gene: COL7A1 (collagen type VII alpha 1 chain; minus strand). Cytogenetic location: 3p21.31.
Variant type: Duplication.
Coding change: c.5640dup on transcript NM_000094.4 (MANE Select); coding-DNA position 5640, one base duplicated (T; older notation c.5640dupT).
Protein change: p.Gly1881fs; shifts the reading frame from glycine 1881.
Molecular consequence: frameshift variant.
Genome position (GRCh38, 1-based): chr3:48,576,736, A duplicated on the plus strand (T on the coding strand, the reverse complement: COL7A1 is on the minus strand). VCF-style (leftmost placement, unchanged base first): chr3-48576735-C-CA. GRCh37 (hg19) VCF-style: chr3-48614168-C-CA.
Other names: short protein forms G1881fs.
Identifiers: ClinVar variation 5012719 (VCV005012719.1).
Genomic context (GRCh38, chr3:48,576,735, plus strand): 5'-CCTGGCCAGGAGGGCCCACTGGCCCTGGGAGGCCTGGAGGCCCCTGGGGTCCAAGGATAC[C>CA]AGGAGCTCCACGCTCACCCTTGGGGCCATCACGACCCTGTGAAGGATGCAGCCAGCATCA-3'

ClinVar aggregate classification (germline): Pathogenic (1 of 4 stars; one submission).

Conditions:
Recessive dystrophic epidermolysis bullosa (RDEB). Also called: DYSTROPHIC EPIDERMOLYSIS BULLOSA, AUTOSOMAL RECESSIVE; EPIDERMOLYSIS BULLOSA DYSTROPHICA, HALLOPEAU-SIEMENS TYPE; Hallopeau-Siemens Disease; severe generalized recessive dystrophic epidermolysis bullosa; EPIDERMOLYSIS BULLOSA DYSTROPHICA, GENERALIZED SEVERE, AUTOSOMAL RECESSIVE; Epidermolysis Bullosa Distrophica Autosomal Recessive (RDEB). Identifiers: Orphanet 79408, Orphanet 79409, MedGen C0079474, MONDO:0009179, OMIM 226600.

Submission:

Myriad Genetics, Inc.
Classification: Pathogenic for Recessive dystrophic epidermolysis bullosa. Last evaluated: 2024-02-09. Review status: criteria provided, single submitter. Criteria: Myriad Autosomal Dominant, Autosomal Recessive and X-Linked Classification Criteria (2023). Collection method: clinical testing. Allele origin: unknown.
Comment: NM_000094.3(COL7A1):c.5640dupT(G1881Wfs*34) is expected to be pathogenic in the context of dystrophic epidermolysis bullosa. This variant is predicted to lead to an abnormal or absent protein product due to the creation of a premature termination codon in COL7A1, a gene where loss-of-function variants are known to be pathogenic. Please note: this variant was assessed in the context of healthy population screening.